The following is an entry in ClinVar:

ClinVar aggregate classification (germline): Uncertain significance (1 of 4 stars; one submission).

Submission:

Labcorp Genetics (formerly Invitae), Labcorp
Classification: Uncertain significance. Last evaluated: 2022-07-06. Review status: criteria provided, single submitter. Criteria: Invitae Variant Classification Sherloc (09022015). Collection method: clinical testing. Allele origin: germline.
Comment: This variant has not been reported in the literature in individuals affected with VCAN-related conditions. In summary, the available evidence is currently insufficient to determine the role of this variant in disease. Therefore, it has been classified as a Variant of Uncertain Significance. Algorithms developed to predict the effect of missense changes on protein structure and function output the following: SIFT: "Tolerated"; PolyPhen-2: "Benign"; Align-GVGD: "Class C0". The alanine amino acid residue is found in multiple mammalian species, which suggests that this missense change does not adversely affect protein function. ClinVar contains an entry for this variant (Variation ID: 1423042). This variant is not present in population databases (gnomAD no frequency). This sequence change replaces threonine, which is neutral and polar, with alanine, which is neutral and non-polar, at codon 700 of the VCAN protein (p.Thr700Ala).

NM_004385.5(VCAN):c.2098A>G (p.Thr700Ala)

Gene: VCAN (versican; plus strand). Cytogenetic location: 5q14.3.
Variant type: single nucleotide variant.
Coding change: c.2098A>G on transcript NM_004385.5 (MANE Select); coding-DNA position 2098, A replaced by G.
Protein change: p.Thr700Ala; replaces threonine 700 with alanine.
Molecular consequence: missense variant. On other transcripts: intron variant (2).
Genome position (GRCh38, 1-based): chr5:83,520,404, A>G. VCF-style: chr5-83520404-A-G. GRCh37 (hg19) VCF-style: chr5-82816223-A-G.
Other names: c.2098A>G, p.Thr700Ala (NM_001164098.2); c.1042+8008A>G (NM_001164097.2, NM_001126336.3); short protein forms T700A.
Identifiers: ClinVar variation 1423042 (VCV001423042.8), dbSNP rs2112409059, ClinGen allele CA360303024.